The following is an entry in ClinVar:

ClinVar aggregate classification (germline): Pathogenic. Review status: criteria provided, multiple submitters, no conflicts (2 of 4 stars). 3 submissions from 3 submitters: Pathogenic (2). 1 of the submissions does not count toward it. Last evaluated 2023-12-14.

Conditions:
Ornithine carbamoyltransferase deficiency (OTCD). Also called: ORNITHINE TRANSCARBAMYLASE DEFICIENCY, HYPERAMMONEMIA DUE TO; ORNITHINE TRANSCARBAMYLASE DEFICIENCY; OTC DEFICIENCY; Ornithine Carbamoyltransferase Deficiency Disease. Identifiers: Orphanet 664, MedGen C0268542, MONDO:0010703, OMIM 311250.

Submissions (3):

Revvity Omics, Revvity
Classification: Pathogenic for Ornithine carbamoyltransferase deficiency. Last evaluated: 2023-12-14. Review status: criteria provided, single submitter. Criteria: ACMG Guidelines, 2015. Collection method: clinical testing. Allele origin: germline.

Labcorp Genetics (formerly Invitae), Labcorp
Classification: Pathogenic for Ornithine carbamoyltransferase deficiency. Last evaluated: 2022-07-19. Review status: criteria provided, single submitter. Criteria: Invitae Variant Classification Sherloc (09022015). Collection method: clinical testing. Allele origin: germline.
Comment: This variant is not present in population databases (gnomAD no frequency). This sequence change affects the initiator methionine of the OTC mRNA. The next in-frame methionine is located at codon 21. For these reasons, this variant has been classified as Pathogenic. ClinVar contains an entry for this variant (Variation ID: 97189). Disruption of the initiator codon has been observed in individual(s) with ornithine transcarbamylase deficiency (PMID: 11793483, 16786505, 32272297). In at least one individual the variant was observed to be de novo.

GenMed Metabolism Lab
Classification: Pathogenic. Review status: no assertion criteria provided. Collection method: not provided. Allele origin: unknown. Not counted in ClinVar's aggregate classification.
ClinVar note: Converted during submission from pathogenic to Pathogenic.

Literature cited by the submitters: PubMed 11793483 (cited by Labcorp Genetics (formerly Invitae), Labcorp); PubMed 16786505 (cited by Labcorp Genetics (formerly Invitae), Labcorp); PubMed 32272297 (cited by Labcorp Genetics (formerly Invitae), Labcorp).

NM_000531.6(OTC):c.3G>A (p.Met1Ile)

Gene: OTC (ornithine transcarbamylase; plus strand). Cytogenetic location: Xp11.4.
Variant type: single nucleotide variant.
Coding change: c.3G>A on transcript NM_000531.6 (MANE Select); coding-DNA position 3, G replaced by A.
Protein change: p.Met1Ile; changes the start codon (methionine 1).
Molecular consequence: missense variant, initiator codon variant.
Genome position (GRCh38, 1-based): chrX:38,352,699, G>A. VCF-style: chrX-38352699-G-A. GRCh37 (hg19) VCF-style: chrX-38211952-G-A.
Other names: short protein forms M1I.
Identifiers: ClinVar variation 97189 (VCV000097189.9), dbSNP rs72552296, ClinGen allele CA224584.
Genomic context (GRCh38, chrX:38,352,699, plus strand): 5'-CTAACTTGCTGTGGAGTTTTCAAGGGCATAGAATCGTCCTTTACACAATTAAAAGAAGAT[G>A]CTGTTTAATCTGAGGATCCTGTTAAACAATGCAGCTTTTAGAAATGGTCACAACTTCATG-3'
Protein context (NP_000522.3, residues 1-11): [Met1Ile]LFNLRILLNN